The following is an entry in ClinVar:

ClinVar aggregate classification (germline): Uncertain significance (1 of 4 stars; one submission).

Conditions:
Growth hormone insensitivity with immune dysregulation 1, autosomal recessive. Also called: GROWTH HORMONE INSENSITIVITY DUE TO POSTRECEPTOR DEFECT; LARON SYNDROME DUE TO POSTRECEPTOR DEFECT; GROWTH HORMONE INSENSITIVITY SYNDROME WITH IMMUNE DYSREGULATION 1, AUTOSOMAL RECESSIVE; Laron syndrome with immunodeficiency. Identifiers: Orphanet 220465, MedGen C5435698, MONDO:0100211, OMIM 245590.

Allele frequency attached by ClinVar (database versions not stated): gnomAD exomes below 0.00001.
gnomAD v4.1: 1 of 1,614,158 alleles (0.000062%); highest among the groups gnomAD compares: Non-Finnish European, 0.000085%; no homozygotes.

Submission:

Labcorp Genetics (formerly Invitae), Labcorp
Classification: Uncertain significance for Growth hormone insensitivity with immune dysregulation 1, autosomal recessive. Last evaluated: 2024-10-16. Review status: criteria provided, single submitter. Criteria: Invitae Variant Classification Sherloc (09022015). Collection method: clinical testing. Allele origin: germline.
Comment: This sequence change replaces methionine, which is neutral and non-polar, with valine, which is neutral and non-polar, at codon 364 of the STAT5B protein (p.Met364Val). This variant is not present in population databases (gnomAD no frequency). This variant has not been reported in the literature in individuals affected with STAT5B-related conditions. ClinVar contains an entry for this variant (Variation ID: 1054011). Invitae Evidence Modeling of protein sequence and biophysical properties (such as structural, functional, and spatial information, amino acid conservation, physicochemical variation, residue mobility, and thermodynamic stability) indicates that this missense variant is not expected to disrupt STAT5B protein function with a negative predictive value of 80%. In summary, the available evidence is currently insufficient to determine the role of this variant in disease. Therefore, it has been classified as a Variant of Uncertain Significance.

NM_012448.4(STAT5B):c.1090A>G (p.Met364Val)

Gene: STAT5B (signal transducer and activator of transcription 5B; minus strand). Cytogenetic location: 17q21.2.
Variant type: single nucleotide variant.
Coding change: c.1090A>G on transcript NM_012448.4 (MANE Select); coding-DNA position 1090, A replaced by G.
Protein change: p.Met364Val; replaces methionine 364 with valine.
Molecular consequence: missense variant.
Genome position (GRCh38, 1-based): chr17:42,218,230, T>C on the plus strand (A>G on the coding strand, the complement: STAT5B is on the minus strand). VCF-style: chr17-42218230-T-C. GRCh37 (hg19) VCF-style: chr17-40370248-T-C.
Other names: short protein forms M364V.
Identifiers: ClinVar variation 1054011 (VCV001054011.11), dbSNP rs2144245550, ClinGen allele CA399585073.